The following is an entry in ClinVar:

NM_002972.4(SBF1):c.1069A>G (p.Thr357Ala)

Gene: SBF1 (SET binding factor 1; minus strand). Cytogenetic location: 22q13.33.
Variant type: single nucleotide variant.
Coding change: c.1069A>G on transcript NM_002972.4 (MANE Select); coding-DNA position 1069, A replaced by G.
Protein change: p.Thr357Ala; replaces threonine 357 with alanine.
Molecular consequence: missense variant.
Genome position (GRCh38, 1-based): chr22:50,465,783, T>C on the plus strand (A>G on the coding strand, the complement: SBF1 is on the minus strand). VCF-style: chr22-50465783-T-C. GRCh37 (hg19) VCF-style: chr22-50904212-T-C.
Other names: c.1072A>G, p.Thr358Ala (NM_001365819.1); c.1069A>G (NM_002972.2); short protein forms T357A, T358A.
Identifiers: ClinVar variation 811309 (VCV000811309.14), dbSNP rs746439204, ClinGen allele CA10317850.

ClinVar aggregate classification (germline): Uncertain significance. Review status: criteria provided, multiple submitters, no conflicts (2 of 4 stars). 4 submissions from 4 submitters: Uncertain significance (4). Last evaluated 2024-12-17.

Conditions:
Charcot-Marie-Tooth disease type 4B3. Also called: Charcot-Marie-Tooth Neuropathy Type 4B3; CHARCOT-MARIE-TOOTH DISEASE, DEMYELINATING, TYPE 4B3. Identifiers: Orphanet 363981, MedGen C3695063, MONDO:0014117, OMIM 615284.

Allele frequency attached by ClinVar (database versions not stated): gnomAD 0.00001; gnomAD exomes 0.00001; TOPMed 0.00002; ExAC 0.00004.
gnomAD v4.1: 24 of 1,607,842 alleles (0.0015%); highest among the groups gnomAD compares: Non-Finnish European, 0.0018%; no homozygotes.

Submissions (4):

GeneDx
Classification: Uncertain significance. Last evaluated: 2024-12-17. Review status: criteria provided, single submitter. Criteria: GeneDx Variant Classification Process June 2021. Collection method: clinical testing. Allele origin: germline. Affected: yes.
Comment: Not observed at significant frequency in large population cohorts (gnomAD); In silico analysis indicates that this missense variant does not alter protein structure/function; Has not been previously published as pathogenic or benign to our knowledge

Ambry Genetics
Classification: Uncertain significance. Last evaluated: 2024-01-29. Review status: criteria provided, single submitter. Criteria: Ambry Variant Classification Scheme 2023. Collection method: clinical testing. Allele origin: germline.

Labcorp Genetics (formerly Invitae), Labcorp
Classification: Uncertain significance. Last evaluated: 2021-09-17. Review status: criteria provided, single submitter. Criteria: Invitae Variant Classification Sherloc (09022015). Collection method: clinical testing. Allele origin: germline.
Comment: This sequence change replaces threonine with alanine at codon 357 of the SBF1 protein (p.Thr357Ala). The threonine residue is weakly conserved and there is a small physicochemical difference between threonine and alanine. This variant is present in population databases (rs746439204, ExAC 0.007%). This variant has not been reported in the literature in individuals affected with SBF1-related conditions. ClinVar contains an entry for this variant (Variation ID: 811309). Algorithms developed to predict the effect of missense changes on protein structure and function output the following: SIFT: "Tolerated"; PolyPhen-2: "Benign"; Align-GVGD: "Class C0". The alanine amino acid residue is found in multiple mammalian species, which suggests that this missense change does not adversely affect protein function. In summary, the available evidence is currently insufficient to determine the role of this variant in disease. Therefore, it has been classified as a Variant of Uncertain Significance.

ARUP Laboratories, Molecular Genetics and Genomics, ARUP Laboratories
Classification: Uncertain significance for Charcot-Marie-Tooth disease type 4B3. Last evaluated: 2019-03-04. Review status: criteria provided, single submitter. Criteria: ARUP Molecular Germline Variant Investigation Process. Collection method: clinical testing. Allele origin: germline.
Comment: The SBF1 c.1069A>G; p.Thr357Ala variant (rs746439204), to our knowledge, is not described in the medical literature or in gene-specific databases, and is observed on only 3 alleles in the Genome Aggregation Database. The threonine at codon 357 is weakly conserved, and computational algorithms (PolyPhen-2, SIFT) predict that this variant is tolerated. However, due to the lack of clinical and functional data regarding this variant, its clinical significance cannot be determined with certainty.